The following is an entry in ClinVar:

NM_002016.2(FLG):c.1432C>T (p.Pro478Ser)

Genes: FLG (filaggrin; minus strand), CCDST (cervical cancer associated DHX9 suppressive transcript; plus strand). Cytogenetic location: 1q21.3.
Variant type: single nucleotide variant.
Coding change: c.1432C>T on transcript NM_002016.2 (MANE Select); coding-DNA position 1432, C replaced by T.
Protein change: p.Pro478Ser; replaces proline 478 with serine.
Molecular consequence: missense variant.
Genome position (GRCh38, 1-based): chr1:152,313,454, G>A on the plus strand (C>T on the coding strand, the complement: FLG is on the minus strand). VCF-style: chr1-152313454-G-A. GRCh37 (hg19) VCF-style: chr1-152285930-G-A.
Other names: short protein forms P478S.
Identifiers: ClinVar variation 666623 (VCV000666623.7), dbSNP rs11584340, ClinGen allele CA1107645.

ClinVar aggregate classification (germline): Benign. Review status: criteria provided, multiple submitters, no conflicts (2 of 4 stars). 4 submissions from 4 submitters: Benign (4). Last evaluated 2023-04-11.

Conditions:
Ichthyosis vulgaris. Also called: Dominant ichthyosis vulgaris; ICHTHYOSIS SIMPLEX. Identifiers: MedGen C0079584, MONDO:0024304, OMIM 146700.

Allele frequency attached by ClinVar (database versions not stated): ESP Exome Variant Server 0.15831; gnomAD 0.18876 and 0.20301; TOPMed 0.21504; ExAC 0.26126; gnomAD exomes 0.27257; 1000 Genomes Project 30x 0.33588; 1000 Genomes Project 0.34465.
gnomAD v4.1: 324,266 of 1,613,236 alleles (20%); highest among the groups gnomAD compares: East Asian, 60%; 42,398 homozygotes.

Submissions (4):

Genome-Nilou Lab
Classification: Benign for Ichthyosis vulgaris. Last evaluated: 2023-04-11. Review status: criteria provided, single submitter. Criteria: ACMG Guidelines, 2015. Collection method: clinical testing. Allele origin: germline. Affected: no.

GeneDx
Classification: Benign. Last evaluated: 2020-06-19. Review status: criteria provided, single submitter. Criteria: GeneDx Variant Classification Process June 2021. Collection method: clinical testing. Allele origin: germline. Affected: yes.
Comment: This variant is associated with the following publications: (PMID: 21219289, 25458912, 18193244, 24521637)

Laboratory for Molecular Medicine, Mass General Brigham Personalized Medicine
Classification: Benign. Last evaluated: 2016-05-23. Review status: criteria provided, single submitter. Criteria: LMM Criteria. Collection method: clinical testing. Allele origin: germline. Observed: 2 variant alleles.
Comment: p.Pro478Ser in exon 3 of FLG: This variant is not expected to have clinical sign ificance because it has been identified in 58.20% (5010/8608) of East Asian chro mosomes by the Exome Aggregation Consortium (ExAC, g; dbSNP rs11584340).

Breakthrough Genomics
Classification: Benign. Review status: criteria provided, single submitter. Criteria: ACMG Guidelines, 2015. Collection method: not provided. Allele origin: germline. Inheritance: Autosomal dominant inheritance. Affected: yes.